The following is an entry in ClinVar:

NM_003823.4(TNFRSF6B):c.796G>C (p.Gly266Arg)

Genes: RTEL1-TNFRSF6B (RTEL1-TNFRSF6B readthrough (NMD candidate); plus strand), TNFRSF6B (TNF receptor superfamily member 6b; plus strand). Cytogenetic location: 20q13.33.
Variant type: single nucleotide variant.
Coding change: c.796G>C on transcript NM_003823.4 (MANE Select); coding-DNA position 796, G replaced by C.
Protein change: p.Gly266Arg; replaces glycine 266 with arginine.
Molecular consequence: missense variant. On other transcripts: non-coding transcript variant (1).
Genome position (GRCh38, 1-based): chr20:63,698,456, G>C. VCF-style: chr20-63698456-G-C. GRCh37 (hg19) VCF-style: chr20-62329809-G-C.
Other names: c.796G>C (NM_003823.3); short protein forms G266R.
Identifiers: ClinVar variation 1390069 (VCV001390069.9), dbSNP rs749655628, ClinGen allele CA9966616.

ClinVar aggregate classification (germline): Uncertain significance. Review status: criteria provided, multiple submitters, no conflicts (2 of 4 stars). 2 submissions from 2 submitters: Uncertain significance (2). Last evaluated 2025-12-14.

Allele frequency attached by ClinVar (database versions not stated): gnomAD exomes 0.00001; ExAC 0.00002; TOPMed 0.00004; gnomAD 0.00005.
gnomAD v4.1: 81 of 1,565,054 alleles (0.0052%); highest among the groups gnomAD compares: Non-Finnish European, 0.0065%; no homozygotes.

Submissions (2):

Labcorp Genetics (formerly Invitae), Labcorp
Classification: Uncertain significance. Last evaluated: 2025-12-14. Review status: criteria provided, single submitter. Criteria: Invitae Variant Classification Sherloc (09022015). Collection method: clinical testing. Allele origin: germline.
Comment: This sequence change replaces glycine, which is neutral and non-polar, with arginine, which is basic and polar, at codon 266 of the TNFRSF6B protein (p.Gly266Arg). This variant is present in population databases (rs749655628, gnomAD 0.001%). This variant has not been reported in the literature in individuals affected with TNFRSF6B-related conditions. ClinVar contains an entry for this variant (Variation ID: 1390069). An algorithm developed to predict the effect of missense changes on protein structure and function (PolyPhen-2) suggests that this variant is likely to be tolerated. In summary, the available evidence is currently insufficient to determine the role of this variant in disease. Therefore, it has been classified as a Variant of Uncertain Significance.

Ambry Genetics
Classification: Uncertain significance. Last evaluated: 2024-05-21. Review status: criteria provided, single submitter. Criteria: Ambry Variant Classification Scheme 2023. Collection method: clinical testing. Allele origin: germline.